The following is an entry in ClinVar:

NM_182961.4(SYNE1):c.16211C>T (p.Ala5404Val)

Gene: SYNE1 (spectrin repeat containing nuclear envelope protein 1; minus strand). Cytogenetic location: 6q25.2.
Variant type: single nucleotide variant.
Coding change: c.16211C>T on transcript NM_182961.4 (MANE Select); coding-DNA position 16211, C replaced by T.
Protein change: p.Ala5404Val; replaces alanine 5404 with valine.
Molecular consequence: missense variant.
Genome position (GRCh38, 1-based): chr6:152,321,263, G>A on the plus strand (C>T on the coding strand, the complement: SYNE1 is on the minus strand). VCF-style: chr6-152321263-G-A. GRCh37 (hg19) VCF-style: chr6-152642398-G-A.
Other names: c.16211C>T (NM_182961.2); c.15998C>T, p.Ala5333Val (NM_033071.5); short protein forms A5333V, A5404V.
Identifiers: ClinVar variation 290444 (VCV000290444.26), dbSNP rs140850000, ClinGen allele CA4055589.

ClinVar aggregate classification (germline): Uncertain significance. Review status: criteria provided, multiple submitters, no conflicts (2 of 4 stars). 6 submissions from 6 submitters: Uncertain significance (6). Last evaluated 2024-10-10.

Conditions:
Autosomal recessive ataxia, Beauce type. Also called: Spinocerebellar ataxia, autosomal recessive 8; ATAXIA, RECESSIVE, OF BEAUCE; SYNE1 Deficiency; SYNE1-Related Autosomal Recessive Cerebellar Ataxia. Identifiers: Orphanet 88644, MedGen C1853116, MONDO:0012549, OMIM 610743.
Emery-Dreifuss muscular dystrophy 4, autosomal dominant (EDMD4). Also called: EMERY-DREIFUSS MUSCULAR DYSTROPHY 4 WITH VARIABLE FEATURES. Identifiers: Orphanet 261, MedGen C2751807, MONDO:0013071, OMIM 612998.

Allele frequency attached by ClinVar (database versions not stated): ExAC 0.00008; ESP Exome Variant Server 0.00008; gnomAD 0.00008 and 0.00009; TOPMed 0.00010.
gnomAD v4.1: 480 of 1,613,528 alleles (0.03%); highest among the groups gnomAD compares: Non-Finnish European, 0.04%; 1 homozygote.

Submissions (6):

Revvity Omics, Revvity
Classification: Uncertain significance. Last evaluated: 2024-10-10. Review status: criteria provided, single submitter. Criteria: ACMG Guidelines, 2015. Collection method: clinical testing. Allele origin: germline.

Labcorp Genetics (formerly Invitae), Labcorp
Classification: Uncertain significance for Emery-Dreifuss muscular dystrophy 4, autosomal dominant; Autosomal recessive ataxia, Beauce type. Last evaluated: 2023-12-03. Review status: criteria provided, single submitter. Criteria: Invitae Variant Classification Sherloc (09022015). Collection method: clinical testing. Allele origin: germline.
Comment: This sequence change replaces alanine, which is neutral and non-polar, with valine, which is neutral and non-polar, at codon 5333 of the SYNE1 protein (p.Ala5333Val). This variant is present in population databases (rs140850000, gnomAD 0.02%). This variant has not been reported in the literature in individuals affected with SYNE1-related conditions. ClinVar contains an entry for this variant (Variation ID: 290444). An algorithm developed to predict the effect of missense changes on protein structure and function (PolyPhen-2) suggests that this variant is likely to be disruptive. In summary, the available evidence is currently insufficient to determine the role of this variant in disease. Therefore, it has been classified as a Variant of Uncertain Significance.

Athena Diagnostics
Classification: Uncertain significance. Last evaluated: 2023-05-08. Review status: criteria provided, single submitter. Criteria: Athena Diagnostics Criteria. Collection method: clinical testing. Allele origin: unknown.
Comment: Available data are insufficient to determine the clinical significance of the variant at this time. The frequency of this variant in the general population is uninformative in assessment of its pathogenicity. Computational tools disagree on the variant's effect on normal protein function.

ARUP Laboratories, Molecular Genetics and Genomics, ARUP Laboratories
Classification: Uncertain significance. Last evaluated: 2020-02-03. Review status: criteria provided, single submitter. Criteria: ARUP Molecular Germline Variant Investigation Process. Collection method: clinical testing. Allele origin: germline.

Eurofins Ntd Llc (ga)
Classification: Uncertain significance. Last evaluated: 2016-09-19. Review status: criteria provided, single submitter. Criteria: EGL Classification Definitions 2015. Collection method: clinical testing. Allele origin: germline. Observed: 1 variant allele, 1 heterozygote.

Breakthrough Genomics
Classification: Uncertain significance. Review status: criteria provided, single submitter. Criteria: ACMG Guidelines, 2015. Collection method: not provided. Allele origin: germline. Inheritance: Autosomal recessive inheritance. Affected: yes.